The following is an entry in ClinVar:

ClinVar aggregate classification (germline): Uncertain significance (1 of 4 stars; one submission).

gnomAD v4.1: 19 of 1,613,830 alleles (0.0012%); highest among the groups gnomAD compares: Admixed American, 0.012%; no homozygotes.

Submission:

Labcorp Genetics (formerly Invitae), Labcorp
Classification: Uncertain significance. Last evaluated: 2025-10-31. Review status: criteria provided, single submitter. Criteria: Invitae Variant Classification Sherloc (09022015). Collection method: clinical testing. Allele origin: germline.
Comment: This sequence change replaces glycine, which is neutral and non-polar, with aspartic acid, which is acidic and polar, at codon 98 of the MYH7B protein (p.Gly98Asp). This variant is present in population databases (rs763943886, gnomAD 0.01%). This variant has not been reported in the literature in individuals affected with MYH7B-related conditions. Invitae Evidence Modeling of protein sequence and biophysical properties (such as structural, functional, and spatial information, amino acid conservation, physicochemical variation, residue mobility, and thermodynamic stability) indicates that this missense variant is not expected to disrupt MYH7B protein function with a negative predictive value of 80%. In summary, the available evidence is currently insufficient to determine the role of this variant in disease. Therefore, it has been classified as a Variant of Uncertain Significance.

NM_020884.7(MYH7B):c.167G>A (p.Gly56Asp)

Gene: MYH7B (myosin heavy chain 7B; plus strand). Cytogenetic location: 20q11.22.
Variant type: single nucleotide variant.
Coding change: c.167G>A on transcript NM_020884.7 (MANE Select); coding-DNA position 167, G replaced by A.
Protein change: p.Gly56Asp; replaces glycine 56 with aspartic acid.
Molecular consequence: missense variant.
Genome position (GRCh38, 1-based): chr20:34,979,465, G>A. VCF-style: chr20-34979465-G-A. GRCh37 (hg19) VCF-style: chr20-33567268-G-A.
Other names: short protein forms G56D.
Identifiers: ClinVar variation 4701094 (VCV004701094.1).